The following is an entry in ClinVar:

ClinVar aggregate classification (germline): Likely benign. Review status: criteria provided, single submitter (1 of 4 stars). 2 submissions from 2 submitters: Likely benign (1). 1 of the submissions does not count toward it. Last evaluated 2025-12-09.

Conditions:
SPTAN1-related disorder. Also called: SPTAN1-related disorders; SPTAN1-related condition.
Early-infantile DEE. Also called: Early infantile epileptic encephalopathy; Ohtahara syndrome; Early infantile epileptic encephalopathy with suppression bursts. Identifiers: Orphanet 1934, MedGen C0393706, MONDO:0800491.

Allele frequency attached by ClinVar (database versions not stated): ExAC 0.00002; gnomAD exomes 0.00002 and 0.00003; gnomAD 0.00010 and 0.00011; TOPMed 0.00010; 1000 Genomes Project 30x 0.00016; 1000 Genomes Project 0.00020.
gnomAD v4.1: 48 of 1,613,892 alleles (0.003%); highest among the groups gnomAD compares: African/African-American, 0.028%; no homozygotes.

Submissions (2):

Labcorp Genetics (formerly Invitae), Labcorp
Classification: Likely benign for Early-infantile DEE. Last evaluated: 2025-12-09. Review status: criteria provided, single submitter. Criteria: Invitae Variant Classification Sherloc (09022015). Collection method: clinical testing. Allele origin: germline.

PreventionGenetics, part of Exact Sciences
Classification: Likely benign for SPTAN1-related condition. Last evaluated: 2023-02-21. Review status: no assertion criteria provided. Collection method: clinical testing. Allele origin: germline. Not counted in ClinVar's aggregate classification.
Comment: This variant is classified as likely benign based on ACMG/AMP sequence variant interpretation guidelines (Richards et al. 2015 PMID: 25741868, with internal and published modifications).

NM_001130438.3(SPTAN1):c.1527C>T (p.His509=)

Gene: SPTAN1 (spectrin alpha, non-erythrocytic 1; plus strand). Cytogenetic location: 9q34.11.
Variant type: single nucleotide variant.
Coding change: c.1527C>T on transcript NM_001130438.3 (MANE Select); coding-DNA position 1527, C replaced by T.
Protein change: p.His509=; no amino-acid change (histidine 509 retained).
Molecular consequence: synonymous variant.
Genome position (GRCh38, 1-based): chr9:128,581,847, C>T. VCF-style: chr9-128581847-C-T. GRCh37 (hg19) VCF-style: chr9-131344126-C-T.
Other names: c.1527C>T (NM_001130438.2); c.1527C>T, p.His509= (NM_001195532.2, NM_001363759.2, NM_001363765.2 and 5 more transcripts); c.1563C>T, p.His521= (NM_001375312.2, NM_001375318.1).
Identifiers: ClinVar variation 1582863 (VCV001582863.11), dbSNP rs201555611, ClinGen allele CA5264423.